The following is an entry in ClinVar:

NM_032581.4(HYCC1):c.*1506T>A

Gene: HYCC1 (hyccin PI4KA lipid kinase complex subunit 1; minus strand). Cytogenetic location: 7p15.3.
Variant type: single nucleotide variant.
Coding change: c.*1506T>A on transcript NM_032581.4 (MANE Select); 1506 bases downstream of the stop codon, T replaced by A.
Molecular consequence: 3 prime UTR variant.
Genome position (GRCh38, 1-based): chr7:22,944,083, A>T on the plus strand (T>A on the coding strand, the complement: HYCC1 is on the minus strand). VCF-style: chr7-22944083-A-T. GRCh37 (hg19) VCF-style: chr7-22983702-A-T.
Other names: c.*2108T>A (NM_001363466.2); c.*2066T>A (NM_001363467.2).
Identifiers: ClinVar variation 359745 (VCV000359745.5), dbSNP rs4607514, ClinGen allele CA10623667.

ClinVar aggregate classification (germline): Benign (1 of 4 stars; one submission).

Conditions:
Hypomyelination and Congenital Cataract (HLD5). Also called: hypomyelinating leukodystrophy 5. Identifiers: Orphanet 85163, MedGen C1864663, MONDO:0012514, OMIM 610532.

Allele frequency attached by ClinVar (database versions not stated): 1000 Genomes Project 30x 0.66224; 1000 Genomes Project 0.66713; TOPMed 0.68404; gnomAD 0.68951 and 0.69000; gnomAD exomes 0.87500.
gnomAD v4.1: 104,875 of 152,052 alleles (69%); highest among the groups gnomAD compares: South Asian, 73%; 36,172 homozygotes.

Submission:

Illumina Laboratory Services, Illumina
Classification: Benign for Hypomyelination and Congenital Cataract. Last evaluated: 2018-01-13. Review status: criteria provided, single submitter. Criteria: ICSL Variant Classification Criteria 13 December 2019. Collection method: clinical testing. Allele origin: germline.
Comment: This variant was observed in the ICSL laboratory as part of a predisposition screen in an ostensibly healthy population. It had not been previously curated by ICSL or reported in the Human Gene Mutation Database (HGMD: prior to June 1st, 2018), and was therefore a candidate for classification through an automated scoring system. Utilizing variant allele frequency, disease prevalence and penetrance estimates, and inheritance mode, an automated score was calculated to assess if this variant is too frequent to cause the disease. Based on the score and internal cut-off values, a variant classified as benign is not then subjected to further curation. The score for this variant resulted in a classification of benign for this disease.